The following is an entry in ClinVar:

NM_020964.3(EPG5):c.343dup (p.Asp115fs)

Gene: EPG5 (ectopic P-granules 5 autophagy tethering factor; minus strand). Cytogenetic location: 18q21.1.
Variant type: Duplication.
Coding change: c.343dup on transcript NM_020964.3 (MANE Select); coding-DNA position 343, one base duplicated (G; older notation c.343dupG).
Protein change: p.Asp115fs; shifts the reading frame from aspartic acid 115.
Molecular consequence: frameshift variant.
Genome position (GRCh38, 1-based): chr18:45,955,059, C duplicated on the plus strand (G on the coding strand, the reverse complement: EPG5 is on the minus strand); the first of 5 consecutive C bases (chr18:45,955,059-45,955,063); duplicating any one gives the same sequence. VCF-style (leftmost placement, unchanged base first): chr18-45955058-T-TC. GRCh37 (hg19) VCF-style: chr18-43535024-T-TC.
Other names: c.343dup, p.Asp115fs (NM_001410858.1, NM_001410859.1); c.343dupG (NM_020964.3); short protein forms D115fs.
Identifiers: ClinVar variation 3911952 (VCV003911952.2).

ClinVar aggregate classification (germline): Pathogenic (1 of 4 stars; one submission).

Conditions:
Vici syndrome (VICIS). Identifiers: Orphanet 1493, MedGen C1855772, MONDO:0009452, OMIM 242840.

Submission:

Women's Health and Genetics/Laboratory Corporation of America, LabCorp
Classification: Pathogenic for Vici syndrome. Last evaluated: 2025-07-02. Review status: criteria provided, single submitter. Criteria: LabCorp Variant Classification Summary - May 2015. Collection method: clinical testing. Allele origin: germline.
Comment: Variant summary: EPG5 c.343dupG (p.Asp115GlyfsX17) results in a premature termination codon, predicted to cause a truncation of the encoded protein or absence of the protein due to nonsense mediated decay, which are commonly known mechanisms for disease. The variant was absent in 249374 control chromosomes. To our knowledge, no occurrence of c.343dupG in individuals affected with Vici Syndrome and no experimental evidence demonstrating its impact on protein function have been reported. No submitters have cited clinical-significance assessments for this variant to ClinVar. Based on the evidence outlined above, the variant was classified as pathogenic.